The following is an entry in ClinVar:

ClinVar aggregate classification (germline): Uncertain significance (1 of 4 stars; one submission).

Submission:

Ambry Genetics
Classification: Uncertain significance. Last evaluated: 2026-09-02. Review status: criteria provided, single submitter. Criteria: Ambry Variant Classification Scheme 2023. Collection method: clinical testing. Allele origin: germline.
Comment: The c.734C>A (p.A245D) alteration is located in exon 1 (coding exon 1) of the CT47B1 gene. This alteration results from a C to A substitution at nucleotide position 734, causing the alanine (A) at amino acid position 245 to be replaced by an aspartic acid (D). Based on data from gnomAD, the A allele has an overall frequency of <0.001% (1/182237) total alleles studied. The highest observed frequency was 0.004% (1/27415) of Latino alleles. Based on insufficient or conflicting evidence, the clinical significance of this alteration remains unclear.

NM_001145718.3(CT47B1):c.734C>A (p.Ala245Asp)

Gene: CT47B1 (cancer/testis antigen family 47 member B1; minus strand). Cytogenetic location: Xq24.
Variant type: single nucleotide variant.
Coding change: c.734C>A on transcript NM_001145718.3 (MANE Select); coding-DNA position 734, C replaced by A.
Protein change: p.Ala245Asp; replaces alanine 245 with aspartic acid.
Molecular consequence: missense variant.
Genome position (GRCh38, 1-based): chrX:120,874,937, G>T on the plus strand (C>A on the coding strand, the complement: CT47B1 is on the minus strand). VCF-style: chrX-120874937-G-T. GRCh37 (hg19) VCF-style: chrX-120008791-G-T.
Other names: short protein forms A245D.
Identifiers: ClinVar variation 5034977 (VCV005034977.1).